The following is an entry in ClinVar:

ClinVar aggregate classification (germline): Pathogenic (1 of 4 stars; one submission).

Submission:

Labcorp Genetics (formerly Invitae), Labcorp
Classification: Pathogenic. Last evaluated: 2023-08-28. Review status: criteria provided, single submitter. Criteria: Invitae Variant Classification Sherloc (09022015). Collection method: clinical testing. Allele origin: unknown.
Comment: For these reasons, this variant has been classified as Pathogenic. This variant disrupts a region of the CHD8 protein in which other variant(s) (p.Arg1580Trp) have been determined to be pathogenic (PMID: 26733790, 27824329, 31980904, 31981491). This suggests that this is a clinically significant region of the protein, and that variants that disrupt it are likely to be disease-causing. This variant has not been reported in the literature in individuals affected with CHD8-related conditions. This variant results in the deletion of exons 19-37 and part of exon 18 (c.3759_*171685delinsA) of the CHD8 gene. While this deletion is not anticipated to lead to nonsense mediated decay, it is expected to alter mRNA translation or result in a truncated protein product.

Literature cited by the submitters: PubMed 26733790; PubMed 27824329; PubMed 31980904; PubMed 31981491.

NC_000014.8:g.(?_21682087)_(21870618_?)del

Genes: CHD8 (chromodomain helicase DNA binding protein 8; minus strand), HNRNPC (heterogeneous nuclear ribonucleoprotein C; minus strand), RPGRIP1 (RPGR interacting protein 1; plus strand), SUPT16H (SPT16 homolog, facilitates chromatin remodeling subunit; minus strand). Cytogenetic location: 14q11.2.
Variant type: Deletion.
Identifiers: ClinVar variation 3244075 (VCV003244075.1).